The following is an entry in ClinVar:

NM_013432.5(TONSL):c.3515G>T (p.Ser1172Ile)

Gene: TONSL (tonsoku like, DNA repair protein; minus strand). Cytogenetic location: 8q24.3.
Variant type: single nucleotide variant.
Coding change: c.3515G>T on transcript NM_013432.5 (MANE Select); coding-DNA position 3515, G replaced by T.
Protein change: p.Ser1172Ile; replaces serine 1172 with isoleucine.
Molecular consequence: missense variant.
Genome position (GRCh38, 1-based): chr8:144,433,632, C>A on the plus strand (G>T on the coding strand, the complement: TONSL is on the minus strand). VCF-style: chr8-144433632-C-A. GRCh37 (hg19) VCF-style: chr8-145659015-C-A.
Other names: c.3515G>T (NM_013432.4); short protein forms S1172I.
Identifiers: ClinVar variation 1417586 (VCV001417586.4), dbSNP rs200834102, ClinGen allele CA4942489.

ClinVar aggregate classification (germline): Uncertain significance. Review status: criteria provided, multiple submitters, no conflicts (2 of 4 stars). 2 submissions from 2 submitters: Uncertain significance (2). Last evaluated 2022-09-13.

Conditions:
Inborn genetic diseases. Identifiers: MedGen C0950123, MeSH D030342.

Allele frequency attached by ClinVar (database versions not stated): TOPMed 0.00017; gnomAD 0.00019.
gnomAD v4.1: 274 of 1,613,290 alleles (0.017%); highest among the groups gnomAD compares: Non-Finnish European, 0.022%; no homozygotes.

Submissions (2):

Labcorp Genetics (formerly Invitae), Labcorp
Classification: Uncertain significance. Last evaluated: 2022-09-13. Review status: criteria provided, single submitter. Criteria: Invitae Variant Classification Sherloc (09022015). Collection method: clinical testing. Allele origin: germline.
Comment: This sequence change replaces serine, which is neutral and polar, with isoleucine, which is neutral and non-polar, at codon 1172 of the TONSL protein (p.Ser1172Ile). This variant is present in population databases (rs200834102, gnomAD 0.03%). This variant has not been reported in the literature in individuals affected with TONSL-related conditions. ClinVar contains an entry for this variant (Variation ID: 1417586). Advanced modeling of protein sequence and biophysical properties (such as structural, functional, and spatial information, amino acid conservation, physicochemical variation, residue mobility, and thermodynamic stability) performed at Invitae indicates that this missense variant is expected to disrupt TONSL protein function. In summary, the available evidence is currently insufficient to determine the role of this variant in disease. Therefore, it has been classified as a Variant of Uncertain Significance.

Ambry Genetics
Classification: Uncertain significance for Inborn genetic diseases. Last evaluated: 2022-07-12. Review status: criteria provided, single submitter. Criteria: Ambry Variant Classification Scheme 2023. Collection method: clinical testing. Allele origin: germline.